The following is an entry in ClinVar:

NM_001127222.2(CACNA1A):c.2338G>A (p.Glu780Lys)

Gene: CACNA1A (calcium voltage-gated channel subunit alpha1 A; minus strand). Cytogenetic location: 19p13.13.
Variant type: single nucleotide variant.
Coding change: c.2338G>A on transcript NM_001127222.2 (MANE Select); coding-DNA position 2338, G replaced by A.
Protein change: p.Glu780Lys; replaces glutamic acid 780 with lysine.
Molecular consequence: missense variant.
Genome position (GRCh38, 1-based): chr19:13,299,295, C>T on the plus strand (G>A on the coding strand, the complement: CACNA1A is on the minus strand). VCF-style: chr19-13299295-C-T. GRCh37 (hg19) VCF-style: chr19-13410109-C-T.
Other names: c.2350G>A, p.Glu784Lys (NM_000068.4, NM_023035.3); c.2341G>A, p.Glu781Lys (NM_001127221.2, NM_001174080.2); short protein forms E780K, E781K, E784K.
Identifiers: ClinVar variation 3769808 (VCV003769808.1).

ClinVar aggregate classification (germline): Uncertain significance (1 of 4 stars; one submission).

gnomAD v4.1: 2 of 1,602,596 alleles (0.00012%); highest among the groups gnomAD compares: South Asian, 0.0011%; no homozygotes.

Submission:

GeneDx
Classification: Uncertain significance. Last evaluated: 2024-09-12. Review status: criteria provided, single submitter. Criteria: GeneDx Variant Classification Process June 2021. Collection method: clinical testing. Allele origin: germline. Affected: yes.
Comment: Not observed in large population cohorts (gnomAD); In silico analysis indicates that this missense variant does not alter protein structure/function; Has not been previously published as pathogenic or benign to our knowledge